The following is an entry in ClinVar:

ClinVar aggregate classification (germline): Likely pathogenic (1 of 4 stars; one submission).

Conditions:
Mitochondrial DNA deletion syndrome with progressive myopathy. Also called: PROGRESSIVE EXTERNAL OPHTHALMOPLEGIA, AUTOSOMAL DOMINANT 6; Progressive external ophthalmoplegia with mitochondrial DNA deletions, autosomal dominant 6. Identifiers: Orphanet 352470, MedGen C3554599, MONDO:0014062, OMIM 615156.

gnomAD v4.1: 6 of 1,562,178 alleles (0.00038%); highest among the groups gnomAD compares: African/African-American, 0.0014%; no homozygotes.

Submission:

Victorian Clinical Genetics Services, Murdoch Childrens Research Institute
Classification: Likely pathogenic for Mitochondrial DNA deletion syndrome with progressive myopathy. Last evaluated: 2025-05-15. Review status: criteria provided, single submitter. Criteria: ACMG Guidelines, 2015. Collection method: clinical testing. Allele origin: germline. Affected: yes.
Comment: This variant is classified as Likely pathogenic. Evidence in support of pathogenic classification: Canonical splice site variant without proven consequence on splicing (no functional evidence available); Variant is present in gnomAD <0.01 (v4: 6 heterozygote(s), 0 homozygote(s)); Abnormal splicing is predicted by in silico tool and affected nucleotide is highly conserved. Additional information: This variant is heterozygous; This gene is associated with both recessive and dominant disease; Alternative nucleotide change(s) at the same canonical splice site are present in gnomAD (Highest allele count: v4: 3 heterozygote(s), 0 homozygote(s)); This variant has no previous evidence of pathogenicity; No published segregation evidence has been identified for this variant; No published functional evidence has been identified for this variant; No comparable splice site variants have previous evidence for pathogenicity; Loss of function is a known mechanism of disease in this gene and is associated with autosomal recessive Rothmund-Thomson syndrome, type 4 (MIM#620819) and autosomal recessive Seckel syndrome 8 (MIM#615087). Currently, the mechanism of disease associated with autosomal dominant progressive external ophthalmoplegia with mitochondrial DNA deletions 6 (MIM#615156) is not established.

NM_001080449.3(DNA2):c.441+1G>A

Gene: DNA2 (DNA replication helicase/nuclease 2; minus strand). Cytogenetic location: 10q21.3.
Variant type: single nucleotide variant.
Coding change: c.441+1G>A on transcript NM_001080449.3 (MANE Select); the canonical splice donor site of the intron after coding-DNA position 441, G replaced by A.
Molecular consequence: splice donor variant.
Genome position (GRCh38, 1-based): chr10:68,468,122, C>T on the plus strand (G>A on the coding strand, the complement: DNA2 is on the minus strand). VCF-style: chr10-68468122-C-T. GRCh37 (hg19) VCF-style: chr10-70227879-C-T.
Identifiers: ClinVar variation 4531504 (VCV004531504.1).